The following is an entry in ClinVar:

NM_001244008.2(KIF1A):c.363+5G>A

Gene: KIF1A (kinesin family member 1A; minus strand). Cytogenetic location: 2q37.3.
Variant type: single nucleotide variant.
Coding change: c.363+5G>A on transcript NM_001244008.2 (MANE Select); 5 bases into the intron after coding-DNA position 363, G replaced by A.
Molecular consequence: intron variant.
Genome position (GRCh38, 1-based): chr2:240,788,046, C>T on the plus strand (G>A on the coding strand, the complement: KIF1A is on the minus strand). VCF-style: chr2-240788046-C-T. GRCh37 (hg19) VCF-style: chr2-241727463-C-T.
Other names: c.363+5G>A (NM_001379653.1, NM_001379650.1, NM_001379645.1 and 20 more transcripts).
Identifiers: ClinVar variation 2924536 (VCV002924536.3), dbSNP rs945707797, ClinGen allele CA68142507.

ClinVar aggregate classification (germline): Uncertain significance (1 of 4 stars; one submission).

Conditions:
Neuropathy, hereditary sensory, type 2C. Also called: Hereditary sensory and autonomic neuropathy type IIC; KIF1A-Related HSAN2 (HSAN2C). Identifiers: Orphanet 970, MedGen C3280168, MONDO:0013634, OMIM 614213.
Hereditary spastic paraplegia 30. Identifiers: Orphanet 101010, MedGen C5235139, MONDO:0012476.
Intellectual disability, autosomal dominant 9 (NESCAVS). Also called: NESCAV SYNDROME; KIF1A-Related Neurodevelopmental Disorder. Identifiers: Orphanet 662367, MedGen C5393830, MONDO:0013656, OMIM 614255.

Allele frequency attached by ClinVar (database versions not stated): gnomAD exomes below 0.00001; gnomAD 0.00001; TOPMed 0.00001.
gnomAD v4.1: 5 of 1,173,670 alleles (0.00043%); highest among the groups gnomAD compares: Non-Finnish European, 0.0006%; no homozygotes.

Submission:

Labcorp Genetics (formerly Invitae), Labcorp
Classification: Uncertain significance for Hereditary spastic paraplegia 30; Neuropathy, hereditary sensory, type 2C; Intellectual disability, autosomal dominant 9. Last evaluated: 2022-12-22. Review status: criteria provided, single submitter. Criteria: Invitae Variant Classification Sherloc (09022015). Collection method: clinical testing. Allele origin: germline.
Comment: This sequence change falls in intron 3 of the KIF1A gene. It does not directly change the encoded amino acid sequence of the KIF1A protein. It affects a nucleotide within the consensus splice site. The frequency data for this variant in the population databases is considered unreliable, as metrics indicate poor data quality at this position in the gnomAD database. This variant has not been reported in the literature in individuals affected with KIF1A-related conditions. Variants that disrupt the consensus splice site are a relatively common cause of aberrant splicing (PMID: 17576681, 9536098). Algorithms developed to predict the effect of sequence changes on RNA splicing suggest that this variant may create or strengthen a splice site. In summary, the available evidence is currently insufficient to determine the role of this variant in disease. Therefore, it has been classified as a Variant of Uncertain Significance.

Literature cited by the submitters: PubMed 17576681; PubMed 9536098.